The following is an entry in ClinVar:

NM_000321.3(RB1):c.766G>A (p.Gly256Ser)

Gene: RB1 (RB transcriptional corepressor 1; plus strand). Cytogenetic location: 13q14.2.
Variant type: single nucleotide variant.
Coding change: c.766G>A on transcript NM_000321.3 (MANE Select); coding-DNA position 766, G replaced by A.
Protein change: p.Gly256Ser; replaces glycine 256 with serine.
Molecular consequence: missense variant.
Genome position (GRCh38, 1-based): chr13:48,362,862, G>A. VCF-style: chr13-48362862-G-A. GRCh37 (hg19) VCF-style: chr13-48936998-G-A.
Other names: c.766G>A, p.Gly256Ser (NM_001407165.1, NM_001407166.1); short protein forms G256S.
Identifiers: ClinVar variation 2132457 (VCV002132457.4), dbSNP rs1952655715, ClinGen allele CA388159361.

ClinVar aggregate classification (germline): Uncertain significance (1 of 4 stars; one submission).

Conditions:
Retinoblastoma (RB1). Also called: RETINOBLASTOMA, SOMATIC. Identifiers: Orphanet 790, MedGen C0035335, MeSH D012175, MONDO:0008380, OMIM 180200, HP:0009919. Disease mechanism: loss of function. Inheritance: Both sporadic and heritable forms are tested..

Submission:

Labcorp Genetics (formerly Invitae), Labcorp
Classification: Uncertain significance for Retinoblastoma. Last evaluated: 2022-05-01. Review status: criteria provided, single submitter. Criteria: Invitae Variant Classification Sherloc (09022015). Collection method: clinical testing. Allele origin: germline.
Comment: In summary, the available evidence is currently insufficient to determine the role of this variant in disease. Therefore, it has been classified as a Variant of Uncertain Significance. Algorithms developed to predict the effect of missense changes on protein structure and function (SIFT, PolyPhen-2, Align-GVGD) all suggest that this variant is likely to be tolerated. This variant has not been reported in the literature in individuals affected with RB1-related conditions. This variant is not present in population databases (gnomAD no frequency). This sequence change replaces glycine, which is neutral and non-polar, with serine, which is neutral and polar, at codon 256 of the RB1 protein (p.Gly256Ser).